The following is an entry in ClinVar:

ClinVar aggregate classification (germline): Pathogenic (1 of 4 stars; one submission).

Submission:

Labcorp Genetics (formerly Invitae), Labcorp
Classification: Pathogenic. Last evaluated: 2022-10-13. Review status: criteria provided, single submitter. Criteria: Invitae Variant Classification Sherloc (09022015). Collection method: clinical testing. Allele origin: germline.
Comment: This sequence change creates a premature translational stop signal (p.Ala1116Trpfs*19) in the LRP5 gene. It is expected to result in an absent or disrupted protein product. Loss-of-function variants in LRP5 are known to be pathogenic (PMID: 11719191, 16252235, 25711638). This variant is not present in population databases (gnomAD no frequency). This variant has not been reported in the literature in individuals affected with LRP5-related conditions. For these reasons, this variant has been classified as Pathogenic.

Literature cited by the submitters: PubMed 11719191; PubMed 16252235; PubMed 25711638.

NM_002335.4(LRP5):c.3344_3345dup (p.Ala1116fs)

Gene: LRP5 (LDL receptor related protein 5; plus strand). Cytogenetic location: 11q13.2.
Variant type: Microsatellite.
Coding change: c.3344_3345dup on transcript NM_002335.4 (MANE Select); coding-DNA positions 3344 to 3345, 2 bases duplicated (TG; older notation c.3344_3345dupTG).
Protein change: p.Ala1116fs; shifts the reading frame from alanine 1116.
Molecular consequence: frameshift variant.
Genome position (GRCh38, 1-based): chr11:68,425,209-68,425,210, TG duplicated; duplicating any 2 consecutive bases within chr11:68,425,207-68,425,210 gives the same sequence; the c. name uses the placement nearest the transcript's 3' end. VCF-style (leftmost placement, unchanged base first): chr11-68425206-C-CTG. GRCh37 (hg19) VCF-style: chr11-68192674-C-CTG.
Other names: c.1601_1602dup, p.Ala535fs (NM_001291902.2); short protein forms A1116fs, A535fs.
Identifiers: ClinVar variation 1430505 (VCV001430505.6), dbSNP rs2153173930, ClinGen allele CA2580615752.